The following is an entry in ClinVar:

NM_005236.3(ERCC4):c.167C>T (p.Ala56Val)

Genes: ERCC4 (ERCC excision repair 4, endonuclease catalytic subunit; plus strand), LOC130058543 (ATAC-STARR-seq lymphoblastoid active region 10486; plus strand). Cytogenetic location: 16p13.12.
Variant type: single nucleotide variant.
Coding change: c.167C>T on transcript NM_005236.3 (MANE Select); coding-DNA position 167, C replaced by T.
Protein change: p.Ala56Val; replaces alanine 56 with valine.
Molecular consequence: missense variant.
Genome position (GRCh38, 1-based): chr16:13,920,332, C>T. VCF-style: chr16-13920332-C-T. GRCh37 (hg19) VCF-style: chr16-14014189-C-T.
Other names: short protein forms A56V.
Identifiers: ClinVar variation 2087833 (VCV002087833.2), dbSNP rs958390423, ClinGen allele CA278487507.
Genomic context (GRCh38, chr16:13,920,332, plus strand): 5'-CCCGCGGGCTCGGCGCGGACCGGCTCCTCTACCACTTTCTCCAGCTGCACTGCCACCCAG[C>T]CTGCCTGGTGCTGGTGCTCAACACGCAGCCGGCCGAGGAGGTGCGGCCGCGCTGGCGCGG-3'
Protein context (NP_005227.1, residues 46-66): YHFLQLHCHP[Ala56Val]CLVLVLNTQP

ClinVar aggregate classification (germline): Uncertain significance. Review status: criteria provided, multiple submitters, no conflicts (2 of 4 stars). 2 submissions from 2 submitters: Uncertain significance (2). Last evaluated 2025-02-05.

Conditions:
Xeroderma pigmentosum, group F (XPF). Also called: ERCC4-Related Xeroderma Pigmentosum; XERODERMA PIGMENTOSUM, TYPE F; Xeroderma pigmentosum, type 6; XERODERMA PIGMENTOSUM, COMPLEMENTATION GROUP F; XERODERMA PIGMENTOSUM VI; XP, GROUP F. Identifiers: MedGen C0268140, MONDO:0010215, OMIM 278760.
Cockayne syndrome. Identifiers: Orphanet 191, MedGen C0009207, MONDO:0016006.
Fanconi anemia complementation group Q. Identifiers: Orphanet 84, MedGen C3808988, MONDO:0014108, OMIM 615272.

Allele frequency attached by ClinVar (database versions not stated): gnomAD exomes below 0.00001; gnomAD 0.00004; TOPMed 0.00004.
gnomAD v4.1: 11 of 1,598,302 alleles (0.00069%); highest among the groups gnomAD compares: African/African-American, 0.013%; no homozygotes.

Submissions (2):

St. Jude Molecular Pathology, St. Jude Children's Research Hospital
Classification: Uncertain significance for Xeroderma pigmentosum, group F. Last evaluated: 2025-02-05. Review status: criteria provided, single submitter. Criteria: St. Jude Assertion Criteria 2020. Collection method: clinical testing. Allele origin: germline.
Comment: The ERCC4 c.167C>T (p.Ala56Val) missense change has a maximum subpopulation frequency of 0.013% in gnomAD v2.1.1. The in silico tool REVEL predicts a benign effect on protein function, but this prediction has not been confirmed by functional studies. This variant has not been reported in individuals with Fanconi anemia or xeroderma pigmentosum. In summary, the evidence currently available is insufficient to determine the clinical significance of this variant. It has therefore been classified as of uncertain significance.

Labcorp Genetics (formerly Invitae), Labcorp
Classification: Uncertain significance for Fanconi anemia complementation group Q; Xeroderma pigmentosum, group F; Cockayne syndrome. Last evaluated: 2022-04-24. Review status: criteria provided, single submitter. Criteria: Invitae Variant Classification Sherloc (09022015). Collection method: clinical testing. Allele origin: germline.
Comment: This sequence change replaces alanine, which is neutral and non-polar, with valine, which is neutral and non-polar, at codon 56 of the ERCC4 protein (p.Ala56Val). This variant is present in population databases (no rsID available, gnomAD 0.01%). This variant has not been reported in the literature in individuals affected with ERCC4-related conditions. Algorithms developed to predict the effect of missense changes on protein structure and function (SIFT, PolyPhen-2, Align-GVGD) all suggest that this variant is likely to be tolerated. In summary, the available evidence is currently insufficient to determine the role of this variant in disease. Therefore, it has been classified as a Variant of Uncertain Significance.